The following is an entry in ClinVar:

ClinVar aggregate classification (germline): Benign/Likely benign. Review status: criteria provided, multiple submitters, no conflicts (2 of 4 stars). 4 submissions from 4 submitters: Benign (1); Likely benign (3). Last evaluated 2026-07-01.

Allele frequency attached by ClinVar (database versions not stated): 1000 Genomes Project 30x 0.00062; 1000 Genomes Project 0.00080; TOPMed 0.00107; ESP Exome Variant Server 0.00108; gnomAD exomes 0.00116 and 0.00158; gnomAD 0.00177 and 0.00180; ExAC 0.00190.
gnomAD v4.1: 1,954 of 1,609,882 alleles (0.12%); highest among the groups gnomAD compares: Non-Finnish European, 0.13%; 10 homozygotes.

Submissions (4):

CeGaT Center for Human Genetics Tuebingen
Classification: Likely benign. Last evaluated: 2026-07-01. Review status: criteria provided, single submitter. Criteria: CeGaT Center For Human Genetics Tuebingen Variant Classification Criteria Version 2. Collection method: clinical testing. Allele origin: germline. Affected: yes. Observed: 21 variant alleles.
Comment: HDAC4: BP4, BP7

Labcorp Genetics (formerly Invitae), Labcorp
Classification: Benign. Last evaluated: 2026-01-19. Review status: criteria provided, single submitter. Criteria: Invitae Variant Classification Sherloc (09022015). Collection method: clinical testing. Allele origin: germline.

Blueprint Genetics
Classification: Likely benign. Last evaluated: 2024-11-22. Review status: criteria provided, single submitter. Criteria: ACMG Guidelines, 2015. Collection method: clinical testing. Allele origin: germline.

Eurofins Ntd Llc (ga)
Classification: Likely benign. Last evaluated: 2016-05-18. Review status: criteria provided, single submitter. Criteria: EGL Classification Definitions 2015. Collection method: clinical testing. Allele origin: germline. Observed: 1 variant allele, 1 heterozygote.

NM_001378414.1(HDAC4):c.222G>A (p.Glu74=)

Gene: HDAC4 (histone deacetylase 4; minus strand). Cytogenetic location: 2q37.3.
Variant type: single nucleotide variant.
Coding change: c.222G>A on transcript NM_001378414.1 (MANE Select); coding-DNA position 222, G replaced by A.
Protein change: p.Glu74=; no amino-acid change (glutamic acid 74 retained).
Molecular consequence: synonymous variant.
Genome position (GRCh38, 1-based): chr2:239,189,950, C>T on the plus strand (G>A on the coding strand, the complement: HDAC4 is on the minus strand). VCF-style: chr2-239189950-C-T. GRCh37 (hg19) VCF-style: chr2-240111646-C-T.
Other names: c.222G>A, p.Glu74= (NM_001378415.1, NM_001378416.1, NM_001378417.1 and 1 more transcripts).
Identifiers: ClinVar variation 287967 (VCV000287967.39), dbSNP rs145137674, ClinGen allele CA2200326.